The following is an entry in ClinVar:

NM_000518.5(HBB):c.316-185C>T

Genes: HBB (hemoglobin subunit beta; minus strand), LOC107133510 (origin of replication at HBB; plus strand), LOC110006319 (beta-globin gene 3' regulatory region; plus strand). Cytogenetic location: 11p15.4.
Variant type: single nucleotide variant.
Coding change: c.316-185C>T on transcript NM_000518.5 (MANE Select); 185 bases into the intron before coding-DNA position 316, C replaced by T.
Molecular consequence: intron variant.
Genome position (GRCh38, 1-based): chr11:5,225,911, G>A on the plus strand (C>T on the coding strand, the complement: HBB is on the minus strand). VCF-style: chr11-5225911-G-A. GRCh37 (hg19) VCF-style: chr11-5247141-G-A.
Other names: IVS-II-666 C> T; IVS II-666 (C>T).
Identifiers: ClinVar variation 36316 (VCV000036316.28), dbSNP rs1609812, ClinGen allele CA342861.

ClinVar aggregate classification (germline): Benign. Review status: reviewed by expert panel (3 of 4 stars). 12 submissions from 12 submitters: Benign (1). 11 of the submissions do not count toward it. Last evaluated 2026-04-30.

Conditions:
Beta-thalassemia HBB/LCRB. Identifiers: MedGen CN322236, MONDO:0013517, OMIM 613985.
beta Thalassemia (BTHAL). Also called: Cooley's anemia; Erythroblastic anemia; Mediterranean anemia. Identifiers: Orphanet 848, MedGen C0005283, MONDO:0019402. Disease mechanism: loss of function.

Allele frequency attached by ClinVar (database versions not stated): 1000 Genomes Project 0.71386; TOPMed 0.81971; 1000 Genomes Project 30x 0.71690; gnomAD 0.81494 and 0.82712.
gnomAD v4.1: 124,145 of 152,150 alleles (82%); highest among the groups gnomAD compares: African/African-American, 87%; 51,216 homozygotes.

Submissions (12):

ClinGen Hemoglobinopathy Variant Curation Expert Panel, ClinGen
Classification: Benign for Beta-thalassemia HBB/LCRB. Last evaluated: 2026-04-30. Review status: reviewed by expert panel. Criteria: ClinGen Hb Opathy ACMG Specifications HBB V1.0.0. Collection method: curation. Allele origin: germline. Inheritance: Autosomal recessive inheritance.
Comment: The c.316-185C>T variant is found in intron 2 of HBB. The highest population minor allele frequency in gnomAD v4.1 is 0.8618 (36085/41512 alleles) in African/African American, which is higher than the ClinGen Hemoglobinopathy VCEP threshold (≥0.005) for BA1, and therefore meets this criterion [BA1]. The results from two in silico predictors, CADD (PHRED score 1.665; VCEP threshold ≤11) and SpliceAI (Δ score 0.01; VCEP threshold ≤0.3), suggest that this variant is not expected to impact HBB function [BP4]. This variant has been observed in ten healthy homozygotes and in three compound heterozygotes with thalassaemia minor or intermedia [PMID: 24099628; 29240028]. In summary, this variant meets criteria to be classified as benign for recessive beta-thalassemia HBB/LCRB (MONDO:0013517) based on the ACMG/AMP criteria applied, as specified by the ClinGen Hemoglobinopathy VCEP (specification version 1.0.0): BA1, BP4

Labcorp Genetics (formerly Invitae), Labcorp
Classification: Benign. Last evaluated: 2026-02-04. Review status: criteria provided, single submitter. Criteria: Invitae Variant Classification Sherloc (09022015). Collection method: clinical testing. Allele origin: germline. Not counted in ClinVar's aggregate classification.

Blueprint Genetics
Classification: Benign. Last evaluated: 2024-11-27. Review status: criteria provided, single submitter. Criteria: ACMG Guidelines, 2015. Collection method: clinical testing. Allele origin: germline. Not counted in ClinVar's aggregate classification.

Genetics Laboratory, Al-Manara University for Medical Sciences
Classification: Benign for beta Thalassemia. Last evaluated: 2024-05-24. Review status: criteria provided, single submitter. Criteria: ACMG Guidelines, 2015. Collection method: research. Allele origin: germline. Not counted in ClinVar's aggregate classification.
Comment: The HBB:c.316-185C>T (IVS-II-666 C>T) variant in the HBB gene (NM_000518.5), located in intron 2, splice distance about -185 bases to the nearest splice site. This variant meets criteria to be classified as benign for beta thalassemia according to ACMG/AMP criteria applied: BA1_stand alone, BP4_strong, and BP6_strong. ClinVar (Accessions: SCV000052638.3, SCV001857387.1, SCV001000905.7, SCV000304632.1, SCV000603885.1, SCV005323382.1, and SCV000864061.2) reports this variant as benign.

GeneDx
Classification: Benign. Last evaluated: 2018-11-12. Review status: criteria provided, single submitter. Criteria: GeneDx Variant Classification Process June 2021. Collection method: clinical testing. Allele origin: germline. Affected: yes. Not counted in ClinVar's aggregate classification.

ARUP Laboratories, Molecular Genetics and Genomics, ARUP Laboratories
Classification: Benign. Last evaluated: 2015-05-15. Review status: criteria provided, single submitter. Criteria: ARUP Molecular Germline Variant Investigation Process. Collection method: clinical testing. Allele origin: germline. Not counted in ClinVar's aggregate classification.

Women's Health and Genetics/Laboratory Corporation of America, LabCorp
Classification: Benign for Beta Thalassemia. Last evaluated: 2011-08-18. Review status: criteria provided, single submitter. Criteria: LabCorp Variant Classification Summary - May 2015. Collection method: curation, clinical testing. Allele origin: germline. Inheritance: autosomal unknown. Affected: yes. Not counted in ClinVar's aggregate classification.
ClinVar note: Converted during submission from benign to Benign.

Breakthrough Genomics
Classification: Benign. Review status: criteria provided, single submitter. Criteria: ACMG Guidelines, 2015. Collection method: not provided. Allele origin: germline. Inheritance: Autosomal recessive inheritance. Affected: yes. Not counted in ClinVar's aggregate classification.

PreventionGenetics, part of Exact Sciences
Classification: Benign. Review status: criteria provided, single submitter. Criteria: ACMG Guidelines, 2015. Collection method: clinical testing. Allele origin: germline. Not counted in ClinVar's aggregate classification.

Natera, Inc.
Classification: Benign for Beta thalassemia. Last evaluated: 2020-09-16. Review status: no assertion criteria provided. Collection method: clinical testing. Allele origin: germline. Not counted in ClinVar's aggregate classification.

The ITHANET community portal, The Cyprus Institute of Neurology and Genetics
Classification: Benign for beta Thalassemia. Last evaluated: 2019-11-25. Review status: no assertion criteria provided. Collection method: curation. Allele origin: germline. Not counted in ClinVar's aggregate classification.

College of Science, Al Muthanna University, Al Muthanna University
Classification: Benign for beta Thalassemia. Last evaluated: 2018-01-01. Review status: no assertion criteria provided. Collection method: research. Allele origin: germline. Not counted in ClinVar's aggregate classification.

Literature cited by the submitters: PubMed 23906453 (cited by Genetics Laboratory, Al-Manara University for Medical Sciences); PubMed 29240028 (cited by Genetics Laboratory, Al-Manara University for Medical Sciences); PubMed 32674697 (cited by Genetics Laboratory, Al-Manara University for Medical Sciences); PubMed 27090252 (cited by Genetics Laboratory, Al-Manara University for Medical Sciences); PubMed 18829352 (cited by The ITHANET community portal, The Cyprus Institute of Neurology and Genetics); PubMed 24099628 (cited by The ITHANET community portal, The Cyprus Institute of Neurology and Genetics); PubMed 31714438 (cited by College of Science, Al Muthanna University, Al Muthanna University).